The following is an entry in ClinVar:

ClinVar aggregate classification (germline): Conflicting classifications of pathogenicity. Review status: criteria provided, conflicting classifications (1 of 4 stars). 8 submissions from 8 submitters: Uncertain significance (1); Benign (1); Likely benign (6). Last evaluated 2026-01-26.

Conditions:
Spinocerebellar ataxia type 19/22 (SCA19). Also called: SPINOCEREBELLAR ATAXIA 22; SPINOCEREBELLAR ATAXIA 19. Identifiers: Orphanet 98772, MedGen C1846367, MONDO:0011819, OMIM 607346.
Cardiovascular phenotype. Identifiers: MedGen CN230736.

Allele frequency attached by ClinVar (database versions not stated): ExAC 0.00053; TOPMed 0.00056; gnomAD 0.00062 and 0.00066.
gnomAD v4.1: 1,563 of 1,602,190 alleles (0.098%); highest among the groups gnomAD compares: Non-Finnish European, 0.13%; 1 homozygote.

Submissions (8):

Labcorp Genetics (formerly Invitae), Labcorp
Classification: Likely benign for Spinocerebellar ataxia type 19/22. Last evaluated: 2026-01-26. Review status: criteria provided, single submitter. Criteria: Invitae Variant Classification Sherloc (09022015). Collection method: clinical testing. Allele origin: germline.

Blueprint Genetics
Classification: Likely benign. Last evaluated: 2024-11-13. Review status: criteria provided, single submitter. Criteria: ACMG Guidelines, 2015. Collection method: clinical testing. Allele origin: germline.

CeGaT Center for Human Genetics Tuebingen
Classification: Likely benign. Last evaluated: 2024-01-01. Review status: criteria provided, single submitter. Criteria: CeGaT Center For Human Genetics Tuebingen Variant Classification Criteria Version 2. Collection method: clinical testing. Allele origin: germline. Affected: yes. Observed: 2 variant alleles.
Comment: KCND3: PP2, PP3, BS1

Women's Health and Genetics/Laboratory Corporation of America, LabCorp
Classification: Likely benign. Last evaluated: 2022-05-03. Review status: criteria provided, single submitter. Criteria: LabCorp Variant Classification Summary - May 2015. Collection method: clinical testing. Allele origin: germline.
Comment: Variant summary: KCND3 c.5C>A (p.Ala2Glu) results in a non-conservative amino acid change in the encoded protein sequence. Five of five in-silico tools predict a damaging effect of the variant on protein function. The variant allele was found at a frequency of 0.00053 in 230260 control chromosomes, predominantly at a frequency of 0.001 within the Non-Finnish European subpopulation in the gnomAD database. The observed variant frequency within Non-Finnish European control individuals in the gnomAD database is approximately 1600 fold of the estimated maximal expected allele frequency for a pathogenic variant in KCND3 causing Spinocerebellar Ataxia Type 19/22 phenotype (6.3e-07), strongly suggesting that the variant is a benign polymorphism found primarily in populations of Non-Finnish European origin. c.5C>A has been reported in the literature in individuals affected with atrial fibrillation, abnormality of the nervous system, primary electrical disease, Brugada syndrome and Long QT syndrome (Mann_2012, Retterer_2015, Proost_2017, van Lint_2019). These reports do not provide unequivocal conclusions about association of the variant with Spinocerebellar Ataxia Type 19/22. To our knowledge, no experimental evidence demonstrating an impact on protein function has been reported. Six ClinVar submitters (evaluation after 2014) cite the variant as uncertain significance (n=4) and likely benign (n=1) and benign (n=1). Based on the evidence outlined above, the variant was classified as likely benign.

Ambry Genetics
Classification: Likely benign for Cardiovascular phenotype. Last evaluated: 2021-01-26. Review status: criteria provided, single submitter. Criteria: Ambry Variant Classification Scheme 2023. Collection method: clinical testing. Allele origin: germline.

Athena Diagnostics
Classification: Benign. Last evaluated: 2020-11-20. Review status: criteria provided, single submitter. Criteria: Athena Diagnostics criteria. Collection method: clinical testing. Allele origin: unknown.

GeneDx
Classification: Uncertain significance. Last evaluated: 2016-10-03. Review status: criteria provided, single submitter. Criteria: GeneDx Variant Classification (06012015). Collection method: clinical testing. Allele origin: germline. Affected: yes.
Comment: A variant of uncertain significance has been identified in the KCND3 gene. The A2E variant has been reported in a patient with atrial fibrillation (Mann et al., 2012). This variant is a non-conservative amino acid substitution, which is likely to impact secondary protein structure as these residues differ in polarity, charge, size and/or other properties and occurs at a position that is conserved across species. However, in silico analysis is inconsistent in its predictions as to whether or not the variant is damaging to the protein structure/function. Additionally, functional studies showed that this variant behaved similarly to the wild type using in vitro electrophysiological studies (Mann et al., 2012). Finally, the Exome Aggregation Consortium reports A2E was observed in 45/20,744 (0.1%) alleles from individuals of European, non-Finnish background.

Molecular Diagnostic Laboratory for Inherited Cardiovascular Disease, Montreal Heart Institute
Classification: Likely benign. Review status: criteria provided, single submitter. Criteria: ACMG Guidelines, 2015. Collection method: clinical testing. Allele origin: germline. Affected: yes.

Literature cited by the submitters: PubMed 26633542 (cited by Women's Health and Genetics/Laboratory Corporation of America, LabCorp and Ambry Genetics); PubMed 28341588 (cited by 3 submitters); PubMed 30847666 (cited by 3 submitters); PubMed 28444220 (cited by Women's Health and Genetics/Laboratory Corporation of America, LabCorp); PubMed 31695177 (cited by Women's Health and Genetics/Laboratory Corporation of America, LabCorp); PubMed 22402074 (cited by 3 submitters); PubMed 31195250 (cited by Ambry Genetics).

NM_001378969.1(KCND3):c.5C>A (p.Ala2Glu)

Gene: KCND3 (potassium voltage-gated channel subfamily D member 3; minus strand). Cytogenetic location: 1p13.2.
Variant type: single nucleotide variant.
Coding change: c.5C>A on transcript NM_001378969.1 (MANE Select); coding-DNA position 5, C replaced by A.
Protein change: p.Ala2Glu; replaces alanine 2 with glutamic acid.
Molecular consequence: missense variant.
Genome position (GRCh38, 1-based): chr1:111,982,722, G>T on the plus strand (C>A on the coding strand, the complement: KCND3 is on the minus strand). VCF-style: chr1-111982722-G-T. GRCh37 (hg19) VCF-style: chr1-112525344-G-T.
Other names: c.5C>A, p.Ala2Glu (NM_001378970.1, NM_004980.5, NM_172198.3); short protein forms A2E.
Identifiers: ClinVar variation 372391 (VCV000372391.63), dbSNP rs201340369, ClinGen allele CA1007663.